The following is an entry in ClinVar:

ClinVar aggregate classification (germline): Benign. Review status: criteria provided, multiple submitters, no conflicts (2 of 4 stars). 10 submissions from 10 submitters: Benign (10). Last evaluated 2026-02-03.

Conditions:
Cardiovascular phenotype. Identifiers: MedGen CN230736.
Hypertrophic cardiomyopathy 26. Also called: Cardiomyopathy, familial hypertrophic, 26. Identifiers: Orphanet 75249, MedGen C4310749, MONDO:0014883, OMIM 617047.
Distal myopathy with posterior leg and anterior hand involvement. Also called: WILLIAMS DISTAL MYOPATHY. Identifiers: Orphanet 63273, MedGen C3279722, MONDO:0013550, OMIM 614065.
Myofibrillar myopathy 5. Also called: Filaminopathy (type); FILAMINOPATHY, AUTOSOMAL DOMINANT. Identifiers: Orphanet 171445, MedGen C1836050, MONDO:0012289, OMIM 609524.
Cardiomyopathy (CMYO). Also called: Cardiomyopathies. Identifiers: Orphanet 167848, MedGen C0878544, MONDO:0004994, HP:0001638. Inheritance: Various modes of inheritance.

Allele frequency attached by ClinVar (database versions not stated): gnomAD exomes 0.00171; ExAC 0.00203; 1000 Genomes Project 0.00659; gnomAD 0.00689 and 0.00743; 1000 Genomes Project 30x 0.00703; TOPMed 0.00726; ESP Exome Variant Server 0.00756.
gnomAD v4.1: 2,030 of 1,613,872 alleles (0.13%); highest among the groups gnomAD compares: African/African-American, 2.4%; 15 homozygotes.

Submissions (10):

Labcorp Genetics (formerly Invitae), Labcorp
Classification: Benign for Distal myopathy with posterior leg and anterior hand involvement; Myofibrillar myopathy 5; Hypertrophic cardiomyopathy 26. Last evaluated: 2026-02-03. Review status: criteria provided, single submitter. Criteria: Invitae Variant Classification Sherloc (09022015). Collection method: clinical testing. Allele origin: germline.

Molecular Diagnostic Laboratory for Inherited Cardiovascular Disease, Montreal Heart Institute
Classification: Benign. Last evaluated: 2025-04-09. Review status: criteria provided, single submitter. Criteria: ACMG Guidelines, 2015. Collection method: clinical testing. Allele origin: germline. Affected: no.

ARUP Laboratories, Molecular Genetics and Genomics, ARUP Laboratories
Classification: Benign. Last evaluated: 2025-01-27. Review status: criteria provided, single submitter. Criteria: ARUP Molecular Germline Variant Investigation Process 2024. Collection method: clinical testing. Allele origin: germline.

Women's Health and Genetics/Laboratory Corporation of America, LabCorp
Classification: Benign. Last evaluated: 2024-03-30. Review status: criteria provided, single submitter. Criteria: LabCorp Variant Classification Summary - May 2015. Collection method: clinical testing. Allele origin: germline.

Mayo Clinic Laboratories, Mayo Clinic
Classification: Benign. Last evaluated: 2023-04-25. Review status: criteria provided, single submitter. Criteria: ACMG Guidelines, 2015. Collection method: clinical testing. Allele origin: germline. Observed: 10 variant alleles.
Comment: BA1, BS2, BP4, BP7

CHEO Genetics Diagnostic Laboratory, Children's Hospital of Eastern Ontario
Classification: Benign for Cardiomyopathy. Last evaluated: 2023-01-09. Review status: criteria provided, single submitter. Criteria: ACMG Guidelines, 2015. Collection method: clinical testing. Allele origin: germline.

Ambry Genetics
Classification: Benign for Cardiovascular phenotype. Last evaluated: 2019-01-07. Review status: criteria provided, single submitter. Criteria: Ambry Variant Classification Scheme 2023. Collection method: clinical testing. Allele origin: germline.

Eurofins Ntd Llc (ga)
Classification: Benign. Last evaluated: 2016-12-28. Review status: criteria provided, single submitter. Criteria: EGL Classification Definitions 2015. Collection method: clinical testing. Allele origin: germline. Observed: 3 variant alleles, 3 heterozygotes.

GeneDx
Classification: Benign. Last evaluated: 2016-05-23. Review status: criteria provided, single submitter. Criteria: GeneDx Variant Classification (06012015). Collection method: clinical testing. Allele origin: germline. Affected: yes.
Comment: This variant is considered likely benign or benign based on one or more of the following criteria: it is a conservative change, it occurs at a poorly conserved position in the protein, it is predicted to be benign by multiple in silico algorithms, and/or has population frequency not consistent with disease.

Breakthrough Genomics
Classification: Benign. Review status: criteria provided, single submitter. Criteria: ACMG Guidelines, 2015. Collection method: not provided. Allele origin: germline. Inheritance: Autosomal dominant inheritance. Affected: yes.

NM_001458.5(FLNC):c.4289-4A>C

Gene: FLNC (filamin C; plus strand). Cytogenetic location: 7q32.1.
Variant type: single nucleotide variant.
Coding change: c.4289-4A>C on transcript NM_001458.5 (MANE Select); 4 bases into the intron before coding-DNA position 4289, A replaced by C.
Molecular consequence: intron variant.
Genome position (GRCh38, 1-based): chr7:128,847,693, A>C. VCF-style: chr7-128847693-A-C. GRCh37 (hg19) VCF-style: chr7-128487747-A-C.
Other names: p.?; c.4289-4A>C (NM_001127487.2).
Identifiers: ClinVar variation 285306 (VCV000285306.28), dbSNP rs140031589, ClinGen allele CA4475304.
Genomic context (GRCh38, chr7:128,847,693, plus strand): 5'-CTCCTCAGCATCAGGGGGACCCATCAGGGCTGGTGGGCAGGGTCTAATGTCCTTCTCCTC[A>C]CAGGGAGCCCGTTCCGCGTGCCAGTGAAGGATGTGGTGGACCCTGGGAAGGTGAAGTGCT-3'